The following is an entry in ClinVar:

ClinVar aggregate classification (germline): Uncertain significance (1 of 4 stars; one submission).

gnomAD v4.1: 3 of 1,613,918 alleles (0.00019%); highest among the groups gnomAD compares: East Asian, 0.0045%; no homozygotes.

Submission:

Labcorp Genetics (formerly Invitae), Labcorp
Classification: Uncertain significance. Last evaluated: 2025-04-21. Review status: criteria provided, single submitter. Criteria: Invitae Variant Classification Sherloc (09022015). Collection method: clinical testing. Allele origin: germline.
Comment: This sequence change replaces arginine, which is basic and polar, with tryptophan, which is neutral and slightly polar, at codon 746 of the LEMD3 protein (p.Arg746Trp). This variant is present in population databases (rs752732536, gnomAD 0.006%). This variant has not been reported in the literature in individuals affected with LEMD3-related conditions. Invitae Evidence Modeling of protein sequence and biophysical properties (such as structural, functional, and spatial information, amino acid conservation, physicochemical variation, residue mobility, and thermodynamic stability) indicates that this missense variant is expected to disrupt LEMD3 protein function with a positive predictive value of 80%. In summary, the available evidence is currently insufficient to determine the role of this variant in disease. Therefore, it has been classified as a Variant of Uncertain Significance.

NM_014319.5(LEMD3):c.2236C>T (p.Arg746Trp)

Gene: LEMD3 (LEM domain containing 3; plus strand). Cytogenetic location: 12q14.3.
Variant type: single nucleotide variant.
Coding change: c.2236C>T on transcript NM_014319.5 (MANE Select); coding-DNA position 2236, C replaced by T.
Protein change: p.Arg746Trp; replaces arginine 746 with tryptophan.
Molecular consequence: missense variant.
Genome position (GRCh38, 1-based): chr12:65,241,018, C>T. VCF-style: chr12-65241018-C-T. GRCh37 (hg19) VCF-style: chr12-65634798-C-T.
Other names: c.2233C>T, p.Arg745Trp (NM_001167614.2); short protein forms R745W, R746W.
Identifiers: ClinVar variation 4781123 (VCV004781123.1).